The following is an entry in ClinVar:

ClinVar aggregate classification (germline): Pathogenic (1 of 4 stars; one submission).

Conditions:
Hereditary leiomyomatosis and renal cell cancer. Also called: MULTIPLE CUTANEOUS AND UTERINE LEIOMYOMATA 1, WITH OR WITHOUT RENAL CELL CARCINOMA; LEIOMYOMA, MULTIPLE CUTANEOUS; Reed syndrome; Multiple cutaneous and uterine leiomyomatosis; Cutaneous leiomyomata with uterine leiomyomata; Leiomyoma, hereditary multiple, of skin. Identifiers: Orphanet 523, MedGen C1708350, MONDO:0007888, OMIM 150800, HP:0007437. Disease mechanism: loss of function.

Submission:

Women's Health and Genetics/Laboratory Corporation of America, LabCorp
Classification: Pathogenic for Hereditary leiomyomatosis and renal cell cancer. Last evaluated: 2024-05-30. Review status: criteria provided, single submitter. Criteria: LabCorp Variant Classification Summary - May 2015. Collection method: clinical testing. Allele origin: germline.
Comment: Variant summary: FH c.251_267+7del24 is located in a canonical splice-site and is predicted to affect mRNA splicing resulting in a significantly altered protein due to either exon skipping, shortening, or inclusion of intronic material. Several computational tools predict a significant impact on normal splicing: Four predict the variant abolishes a 5' splicing donor site. At least one publication reports experimental evidence that this variant affects mRNA splicing (Matsumoto_2018). The variant was absent in 251446 control chromosomes. c.251_267+7del24 has been reported in the literature in an individual affected with Hereditary Leiomyomatosis And Renal Cell Cancer (Matsumoto_2018). The following publication have been ascertained in the context of this evaluation (PMID: 29797630). No submitters have cited clinical-significance assessments for this variant to ClinVar. Based on the evidence outlined above, the variant was classified as pathogenic.

Literature cited by the submitters: PubMed 29797630.

NM_000143.4(FH):c.251_267+7del

Gene: FH (fumarate hydratase; minus strand). Cytogenetic location: 1q43.
Variant type: Deletion.
Coding change: c.251_267+7del on transcript NM_000143.4 (MANE Select); coding-DNA position 251 through 7 bases into the intron after coding-DNA position 267, 24 bases deleted (TGACAGAACGCATGCCAGTAAGTG).
Molecular consequence: splice donor variant.
Genome position (GRCh38, 1-based): chr1:241,517,175-241,517,198, CACTTACTGGCATGCGTTCTGTCA deleted on the plus strand (TGACAGAACGCATGCCAGTAAGTG on the coding strand, the reverse complement: FH is on the minus strand); deleting any 24 consecutive bases within chr1:241,517,175-241,517,201 gives the same sequence; the c. name uses the placement nearest the transcript's 3' end. VCF-style (leftmost placement, unchanged base first): chr1-241517174-CCACTTACTGGCATGCGTTCTGTCA-C. GRCh37 (hg19) VCF-style: chr1-241680474-CCACTTACTGGCATGCGTTCTGTCA-C.
Other names: c.251_267+7del24 (NM_000143.4).
Identifiers: ClinVar variation 3336019 (VCV003336019.1).
Genomic context (GRCh38, chr1:241,517,174, plus strand): 5'-AGTAAAGTGACTCATGAATACAGCCTACTTCATCCAAAATAGCCAACATTTCCACAAATG[CCACTTACTGGCATGCGTTCTGTCA>C]CACCTCCAATCTTAAAGTTCATCGTAGATCTCACGGTCTGGGCGCCATAATACTTATCAT-3'